The following is an entry in ClinVar:

NM_002863.5(PYGL):c.1727G>A (p.Arg576Gln)

Gene: PYGL (glycogen phosphorylase L; minus strand). Cytogenetic location: 14q22.1.
Variant type: single nucleotide variant.
Coding change: c.1727G>A on transcript NM_002863.5 (MANE Select); coding-DNA position 1727, G replaced by A.
Protein change: p.Arg576Gln; replaces arginine 576 with glutamine.
Molecular consequence: missense variant.
Genome position (GRCh38, 1-based): chr14:50,912,197, C>T on the plus strand (G>A on the coding strand, the complement: PYGL is on the minus strand). VCF-style: chr14-50912197-C-T. GRCh37 (hg19) VCF-style: chr14-51378915-C-T.
Other names: c.1625G>A, p.Arg542Gln (NM_001163940.2); short protein forms R576Q, R542Q.
Identifiers: ClinVar variation 3896129 (VCV003896129.2), dbSNP rs267604000.

ClinVar aggregate classification (germline): Uncertain significance (1 of 4 stars; one submission).

gnomAD v4.1: 9 of 1,614,026 alleles (0.00056%); highest among the groups gnomAD compares: Admixed American, 0.0033%; no homozygotes.

Submission:

Women's Health and Genetics/Laboratory Corporation of America, LabCorp
Classification: Uncertain significance. Last evaluated: 2025-04-22. Review status: criteria provided, single submitter. Criteria: LabCorp Variant Classification Summary - May 2015. Collection method: clinical testing. Allele origin: germline.
Comment: Variant summary: PYGL c.1727G>A (p.Arg576Gln) results in a conservative amino acid change in the encoded protein sequence. Four of five in-silico tools predict a damaging effect of the variant on protein function. The variant allele was found at a frequency of 8e-06 in 251466 control chromosomes. c.1727G>A has been observed in homozygous and compound heterozygous individuals affected with Glycogen storage disease, type VI (Vega_2016, Hahn_2023). These data indicate that the variant may be associated with disease. To our knowledge, no experimental evidence demonstrating an impact on protein function has been reported. The following publications have been ascertained in the context of this evaluation (PMID: 37264426, 26913919). No submitters have cited clinical-significance assessments for this variant to ClinVar. Based on the evidence outlined above, the variant was classified as VUS-possibly pathogenic.

Literature cited by the submitters: PubMed 26913919; PubMed 37264426.